The following is an entry in ClinVar:

ClinVar aggregate classification (germline): Uncertain significance. Review status: criteria provided, multiple submitters, no conflicts (2 of 4 stars). 3 submissions from 3 submitters: Uncertain significance (3). Last evaluated 2026-01-19.

Allele frequency attached by ClinVar (database versions not stated): gnomAD 0.00013 and 0.00016; ESP Exome Variant Server 0.00015; gnomAD exomes 0.00015 and 0.00020; TOPMed 0.00016; ExAC 0.00022.
gnomAD v4.1: 245 of 1,613,856 alleles (0.015%); highest among the groups gnomAD compares: Middle Eastern, 0.28%; 2 homozygotes.

Submissions (3):

Labcorp Genetics (formerly Invitae), Labcorp
Classification: Uncertain significance. Last evaluated: 2026-01-19. Review status: criteria provided, single submitter. Criteria: Invitae Variant Classification Sherloc (09022015). Collection method: clinical testing. Allele origin: germline.
Comment: This sequence change replaces proline, which is neutral and non-polar, with serine, which is neutral and polar, at codon 112 of the KLF10 protein (p.Pro112Ser). This variant is present in population databases (rs145387743, gnomAD 0.06%), and has an allele count higher than expected for a pathogenic variant. This variant has not been reported in the literature in individuals affected with KLF10-related conditions. ClinVar contains an entry for this variant (Variation ID: 1482112). An algorithm developed to predict the effect of missense changes on protein structure and function outputs the following: PolyPhen-2: "Benign". The serine amino acid residue is found in multiple mammalian species, which suggests that this missense change does not adversely affect protein function. In summary, the available evidence is currently insufficient to determine the role of this variant in disease. Therefore, it has been classified as a Variant of Uncertain Significance.

Ambry Genetics
Classification: Uncertain significance. Last evaluated: 2024-12-23. Review status: criteria provided, single submitter. Criteria: Ambry Variant Classification Scheme 2023. Collection method: clinical testing. Allele origin: germline.

Breakthrough Genomics
Classification: Uncertain significance. Review status: criteria provided, single submitter. Criteria: ACMG Guidelines, 2015. Collection method: not provided. Allele origin: germline. Inheritance: Autosomal recessive inheritance. Affected: yes.

NM_005655.4(KLF10):c.334C>T (p.Pro112Ser)

Gene: KLF10 (KLF transcription factor 10; minus strand). Cytogenetic location: 8q22.3.
Variant type: single nucleotide variant.
Coding change: c.334C>T on transcript NM_005655.4 (MANE Select); coding-DNA position 334, C replaced by T.
Protein change: p.Pro112Ser; replaces proline 112 with serine.
Molecular consequence: missense variant.
Genome position (GRCh38, 1-based): chr8:102,651,998, G>A on the plus strand (C>T on the coding strand, the complement: KLF10 is on the minus strand). VCF-style: chr8-102651998-G-A. GRCh37 (hg19) VCF-style: chr8-103664226-G-A.
Other names: c.301C>T, p.Pro101Ser (NM_001032282.4); c.334C>T (NM_005655.2); short protein forms P112S, P101S.
Identifiers: ClinVar variation 1482112 (VCV001482112.9), dbSNP rs145387743, ClinGen allele CA4833627.